The following is an entry in ClinVar:

NM_000152.5(GAA):c.755dup (p.Pro253fs)

Gene: GAA (alpha glucosidase; plus strand). Cytogenetic location: 17q25.3.
Variant type: Duplication.
Coding change: c.755dup on transcript NM_000152.5 (MANE Select); coding-DNA position 755, one base duplicated (T; older notation c.755dupT).
Protein change: p.Pro253fs; shifts the reading frame from proline 253.
Molecular consequence: frameshift variant.
Genome position (GRCh38, 1-based): chr17:80,107,619, T duplicated. VCF-style (leftmost placement, unchanged base first): chr17-80107618-C-CT. GRCh37 (hg19) VCF-style: chr17-78081417-C-CT.
Other names: c.755dup (LRG_673t1); c.755dup, p.Pro253fs (NM_001079803.3, NM_001079804.3); c.755dupT (NM_000152.3); short protein forms P253fs.
Identifiers: ClinVar variation 553981 (VCV000553981.6), dbSNP rs1555599619, ClinGen allele CA658824779.
Genomic context (GRCh38, chr17:80,107,618, plus strand): 5'-CTGAACACGACGGTGGCGCCCCTGTTCTTTGCGGACCAGTTCCTTCAGCTGTCCACCTCG[C>CT]TGCCCTCGCAGTATATCACAGGCCTCGCCGAGCACCTCAGTCCCCTGATGCTCAGCACCA-3'

ClinVar aggregate classification (germline): Pathogenic. Review status: reviewed by expert panel (3 of 4 stars). 3 submissions from 3 submitters: Pathogenic (1). 2 of the submissions do not count toward it. Last evaluated 2020-07-20.

Conditions:
Glycogen storage disease, type II (IOPD). Also called: POMPE DISEASE, INFANTILE-ONSET; GLYCOGEN STORAGE DISEASE II, INFANTILE-ONSET; ACID ALPHA-GLUCOSIDASE DEFICIENCY, INFANTILE-ONSET; GAA DEFICIENCY, INFANTILE-ONSET; ACID MALTASE DEFICIENCY, INFANTILE-ONSET; CARDIOMEGALIA GLYCOGENICA DIFFUSA. Identifiers: Orphanet 365, MedGen C0017921, MONDO:0009290, OMIM 232300.

Submissions (3):

ClinGen Lysosomal Storage Disorder Variant Curation Expert Panel
Classification: Pathogenic for Glycogen storage disease, type II. Last evaluated: 2020-07-20. Review status: reviewed by expert panel. Criteria: ClinGen LSD ACMG Specifications v1. Collection method: curation. Allele origin: germline. Inheritance: Autosomal recessive inheritance.
Comment: This variant, c.755dup (p.Pro253AlafsTer77), is a frameshift variant that is predicted to result in a premature termination codon, nonsense mediated decay, and lack of gene product, meeting PVS1. This variant is not in gnomAD v2.1.1, meeting PM2. One patient has been reported who meets the ClinGen LSD VCEP's specifications for PP4 and who is compound heterozygous for the variant and c.569G>A (p.Arg190His) (PMID 29124014). The phase is unknown. This is intrans data will be used in the assessment of p.Arg190His and is therefore not included here in order to avoid a circular argument. There is a ClinVar entry for this variant (Variation ID: 553981, one star review status) with one submitter classifying the variant as likely pathogenic. In summary, this variant meets the criteria to be classified as pathogenic for Pompe disease. GAA-specific ACMG/AMP criteria applied, as specified by the ClinGen LSD VCEP: PVS1, PM2, PP4.

Genomenon, Inc
Classification: Pathogenic for Glycogen storage disease, type II. Last evaluated: 2026-07-01. Review status: criteria provided, single submitter. Criteria: Genomenon Sequence Variant Interpretation Standards - Updated. Collection method: curation. Allele origin: germline. Affected: yes. Not counted in ClinVar's aggregate classification.
Comment: GAA p.Pro253AlafsTer77 (c.755dup) is a frameshift variant that is predicted to introduce a premature termination codon and result in a truncated or absent protein product. This variant has been observed in at least one proband with a GAA-related disorder (PMID:29124014). It is absent or not present at a significant frequency in gnomAD. In conclusion, we classify GAA p.Pro253AlafsTer77 (c.755dup) as a pathogenic variant.

Counsyl
Classification: Likely pathogenic for Glycogen storage disease, type II. Last evaluated: 2017-10-05. Review status: no assertion criteria provided. Collection method: clinical testing. Allele origin: unknown. Not counted in ClinVar's aggregate classification.

Literature cited by the submitters: PubMed 29124014 (cited by Genomenon, Inc).